The following is an entry in ClinVar:

NM_003036.4(SKI):c.568C>T (p.Leu190Phe)

Gene: SKI (SKI proto-oncogene; plus strand). Cytogenetic location: 1p36.33.
Variant type: single nucleotide variant.
Coding change: c.568C>T on transcript NM_003036.4 (MANE Select); coding-DNA position 568, C replaced by T.
Protein change: p.Leu190Phe; replaces leucine 190 with phenylalanine.
Molecular consequence: missense variant.
Genome position (GRCh38, 1-based): chr1:2,229,334, C>T. VCF-style: chr1-2229334-C-T. GRCh37 (hg19) VCF-style: chr1-2160773-C-T.
Other names: short protein forms L190F.
Identifiers: ClinVar variation 4864533 (VCV004864533.1).
Genomic context (GRCh38, chr1:2,229,334, plus strand): 5'-TCGGCGCCCTCGTGCGGGCTCATCACCAAGACGGACGCCGAGCGCCTGTGCAACGCGCTG[C>T]TCTACGGCGGCGCCTACCCGCCGCCCTGCAAGAAGGAGCTGGCCGCCAGCCTGGCGCTGG-3'
Protein context (NP_003027.1, residues 180-200): TDAERLCNAL[Leu190Phe]YGGAYPPPCK

ClinVar aggregate classification (germline): Uncertain significance (1 of 4 stars; one submission).

Conditions:
Familial thoracic aortic aneurysm and aortic dissection (TAAD). Also called: Thoracic aortic aneurysms and dissections. Identifiers: Orphanet 91387, MedGen C4707243, MONDO:0019625.

Submission:

Ambry Genetics
Classification: Uncertain significance for Familial thoracic aortic aneurysm and aortic dissection. Last evaluated: 2026-05-14. Review status: criteria provided, single submitter. Criteria: Ambry Variant Classification Scheme 2023. Collection method: clinical testing. Allele origin: germline.
Comment: The p.L190F variant (also known as c.568C>T), located in coding exon 1 of the SKI gene, results from a C to T substitution at nucleotide position 568. The leucine at codon 190 is replaced by phenylalanine, an amino acid with highly similar properties. This amino acid position is conserved. In addition, the in silico prediction for this alteration is inconclusive. Based on the available evidence, the clinical significance of this variant remains unclear.